The following is an entry in ClinVar:

ClinVar aggregate classification (germline): Likely benign. Review status: criteria provided, multiple submitters, no conflicts (2 of 4 stars). 3 submissions from 3 submitters: Likely benign (3). Last evaluated 2025-07-24.

Conditions:
Cardiovascular phenotype. Identifiers: MedGen CN230736.
Hypertrophic cardiomyopathy. Also called: HYPERTROPHIC MYOCARDIOPATHY. Identifiers: Orphanet 217569, MedGen C0007194, MeSH D002312, MONDO:0005045, HP:0001639.

Allele frequency attached by ClinVar (database versions not stated): ExAC 0.00001; gnomAD exomes 0.00001.
gnomAD v4.1: 22 of 1,613,724 alleles (0.0014%); highest among the groups gnomAD compares: Non-Finnish European, 0.0018%; no homozygotes.

Submissions (3):

Molecular Diagnostic Laboratory for Inherited Cardiovascular Disease, Montreal Heart Institute
Classification: Likely benign. Last evaluated: 2025-07-24. Review status: criteria provided, single submitter. Criteria: ACMG Guidelines, 2015. Collection method: clinical testing. Allele origin: germline. Affected: no.
Comment: BP7

Ambry Genetics
Classification: Likely benign for Cardiovascular phenotype. Last evaluated: 2022-10-17. Review status: criteria provided, single submitter. Criteria: Ambry Variant Classification Scheme 2023. Collection method: clinical testing. Allele origin: germline.

Labcorp Genetics (formerly Invitae), Labcorp
Classification: Likely benign for Hypertrophic cardiomyopathy. Last evaluated: 2022-07-26. Review status: criteria provided, single submitter. Criteria: Invitae Variant Classification Sherloc (09022015). Collection method: clinical testing. Allele origin: germline.

NM_020433.5(JPH2):c.147A>G (p.Ala49=)

Gene: JPH2 (junctophilin 2; minus strand). Cytogenetic location: 20q13.12.
Variant type: single nucleotide variant.
Coding change: c.147A>G on transcript NM_020433.5 (MANE Select); coding-DNA position 147, A replaced by G.
Protein change: p.Ala49=; no amino-acid change (alanine 49 retained).
Molecular consequence: synonymous variant.
Genome position (GRCh38, 1-based): chr20:44,186,559, T>C on the plus strand (A>G on the coding strand, the complement: JPH2 is on the minus strand). VCF-style: chr20-44186559-T-C. GRCh37 (hg19) VCF-style: chr20-42815199-T-C.
Other names: c.147A>G, p.Ala49= (NM_175913.4).
Identifiers: ClinVar variation 1773520 (VCV001773520.8), dbSNP rs759479778, ClinGen allele CA9868922.